The following is an entry in ClinVar:

NM_020928.2(ZSWIM6):c.54G>A (p.Pro18=)

Gene: ZSWIM6 (zinc finger SWIM-type containing 6; plus strand). Cytogenetic location: 5q12.1.
Variant type: single nucleotide variant.
Coding change: c.54G>A on transcript NM_020928.2 (MANE Select); coding-DNA position 54, G replaced by A.
Protein change: p.Pro18=; no amino-acid change (proline 18 retained).
Molecular consequence: synonymous variant.
Genome position (GRCh38, 1-based): chr5:61,332,326, G>A. VCF-style: chr5-61332326-G-A. GRCh37 (hg19) VCF-style: chr5-60628153-G-A.
Other names: c.54G>A (NM_020928.1).
Identifiers: ClinVar variation 1601049 (VCV001601049.9), dbSNP rs1439290689, ClinGen allele CA444539032.

ClinVar aggregate classification (germline): Benign. Review status: criteria provided, single submitter (1 of 4 stars). 2 submissions from 2 submitters: Benign (1). 1 of the submissions does not count toward it. Last evaluated 2022-08-23.

Conditions:
ZSWIM6-related disorder. Also called: ZSWIM6-related condition.

gnomAD v4.1: 5 of 1,117,440 alleles (0.00045%); highest among the groups gnomAD compares: East Asian, 0.0041%; no homozygotes.

Submissions (2):

Labcorp Genetics (formerly Invitae), Labcorp
Classification: Benign. Last evaluated: 2022-08-23. Review status: criteria provided, single submitter. Criteria: Invitae Variant Classification Sherloc (09022015). Collection method: clinical testing. Allele origin: germline.

PreventionGenetics, part of Exact Sciences
Classification: Likely benign for ZSWIM6-related condition. Last evaluated: 2024-03-28. Review status: no assertion criteria provided. Collection method: clinical testing. Allele origin: germline. Not counted in ClinVar's aggregate classification.
Comment: This variant is classified as likely benign based on ACMG/AMP sequence variant interpretation guidelines (Richards et al. 2015 PMID: 25741868, with internal and published modifications).